The following is an entry in ClinVar:

ClinVar aggregate classification (germline): Uncertain significance. Review status: criteria provided, single submitter (1 of 4 stars). 2 submissions from 2 submitters: Uncertain significance (1). 1 of the submissions does not count toward it. Last evaluated 2020-04-09.

Conditions:
Autism spectrum disorder. Also called: Autism spectrum disorders. Identifiers: MedGen C1510586, MeSH D000067877, MONDO:0005258.

Submissions (2):

HudsonAlpha Institute for Biotechnology
Classification: Uncertain significance. Last evaluated: 2020-04-09. Review status: criteria provided, single submitter. Criteria: ACMG Guidelines, 2015. Collection method: research. Allele origin: de novo. Observed: 1 variant allele. Study: CSER-HudsonAlpha.
Comment: ACMG codes:PM2

Department of Medical Genetics, Capital Institute of Pediatrics
Classification: Likely pathogenic for Autism Spectrum Disorder. Last evaluated: 2024-07-03. Review status: no assertion criteria provided. Collection method: research. Allele origin: de novo. Affected: yes. Not counted in ClinVar's aggregate classification.
Comment: PM2_Supporting+PS2+PP3

Literature cited by the submitters: PubMed 39419027 (cited by Department of Medical Genetics, Capital Institute of Pediatrics).

NM_001039469.3(MARK2):c.581T>C (p.Phe194Ser)

Gene: MARK2 (microtubule affinity regulating kinase 2; plus strand). Cytogenetic location: 11q13.1.
Variant type: single nucleotide variant.
Coding change: c.581T>C on transcript NM_001039469.3 (MANE Select); coding-DNA position 581, T replaced by C.
Protein change: p.Phe194Ser; replaces phenylalanine 194 with serine.
Molecular consequence: missense variant.
Genome position (GRCh38, 1-based): chr11:63,899,923, T>C. VCF-style: chr11-63899923-T-C. GRCh37 (hg19) VCF-style: chr11-63667395-T-C.
Other names: c.581T>C, p.Phe194Ser (NM_001163296.2, NM_001163297.2, NM_004954.5); c.482T>C, p.Phe161Ser (NM_017490.4); short protein forms F161S, F194S.
Identifiers: ClinVar variation 982302 (VCV000982302.3), dbSNP rs1940729976, ClinGen allele CA381046668.